The following is an entry in ClinVar:

NM_004629.2(FANCG):c.705G>A (p.Ala235=)

Gene: FANCG (FA complementation group G; minus strand). Cytogenetic location: 9p13.3.
Variant type: single nucleotide variant.
Coding change: c.705G>A on transcript NM_004629.2 (MANE Select); coding-DNA position 705, G replaced by A.
Protein change: p.Ala235=; no amino-acid change (alanine 235 retained).
Molecular consequence: synonymous variant.
Genome position (GRCh38, 1-based): chr9:35,077,043, C>T on the plus strand (G>A on the coding strand, the complement: FANCG is on the minus strand). VCF-style: chr9-35077043-C-T. GRCh37 (hg19) VCF-style: chr9-35077040-C-T.
Identifiers: ClinVar variation 456240 (VCV000456240.35), dbSNP rs148910563, ClinGen allele CA5039974.

ClinVar aggregate classification (germline): Likely benign. Review status: criteria provided, multiple submitters, no conflicts (2 of 4 stars). 4 submissions from 4 submitters: Likely benign (3). 1 of the submissions does not count toward it. Last evaluated 2026-01-11.

Conditions:
Inborn genetic diseases. Identifiers: MedGen C0950123, MeSH D030342.
Fanconi anemia (FA). Also called: Fanconi's anemia. Identifiers: Orphanet 84, MedGen C0015625, MeSH D005199, MONDO:0019391.
FANCG-related disorder. Also called: FANCG-related condition.

Allele frequency attached by ClinVar (database versions not stated): gnomAD 0.00006; ExAC 0.00007; gnomAD exomes 0.00009; TOPMed 0.00010; 1000 Genomes Project 30x 0.00016; 1000 Genomes Project 0.00020; ESP Exome Variant Server 0.00023.
gnomAD v4.1: 74 of 1,614,156 alleles (0.0046%); highest among the groups gnomAD compares: East Asian, 0.049%; 1 homozygote.

Submissions (4):

Labcorp Genetics (formerly Invitae), Labcorp
Classification: Likely benign for Fanconi anemia. Last evaluated: 2026-01-11. Review status: criteria provided, single submitter. Criteria: Invitae Variant Classification Sherloc (09022015). Collection method: clinical testing. Allele origin: germline.

CeGaT Center for Human Genetics Tuebingen
Classification: Likely benign. Last evaluated: 2025-03-01. Review status: criteria provided, single submitter. Criteria: CeGaT Center For Human Genetics Tuebingen Variant Classification Criteria Version 2. Collection method: clinical testing. Allele origin: germline. Affected: yes. Observed: 3 variant alleles.
Comment: FANCG: BP4, BP7

Ambry Genetics
Classification: Likely benign for Inborn genetic diseases. Last evaluated: 2024-10-02. Review status: criteria provided, single submitter. Criteria: Ambry Variant Classification Scheme 2023. Collection method: clinical testing. Allele origin: germline.

PreventionGenetics, part of Exact Sciences
Classification: Likely benign for FANCG-related condition. Last evaluated: 2019-03-05. Review status: no assertion criteria provided. Collection method: clinical testing. Allele origin: germline. Not counted in ClinVar's aggregate classification.
Comment: This variant is classified as likely benign based on ACMG/AMP sequence variant interpretation guidelines (Richards et al. 2015 PMID: 25741868, with internal and published modifications).